The following is an entry in ClinVar:

GRCh38/hg38 5q14.3-15(chr5:87973188-93211127)x3

Genes: LINC02060 (long intergenic non-protein coding RNA 2060; minus strand), ADGRV1 (adhesion G protein-coupled receptor V1; plus strand), ARRDC3 (arrestin domain containing 3; minus strand), ARRDC3-AS1 (ARRDC3 antisense RNA 1; plus strand), CETN3 (centrin 3; minus strand) and 99 more. Cytogenetic location: 5q14.3-15.
Variant type: copy number gain.
Change: copy number 3 (three copies instead of two) of chr5:87,973,188-93,211,127 (5.24 Mb, GRCh38 coordinates, 1-based), cytogenetic band 5q14.3-15.
Identifiers: ClinVar variation 3775074 (VCV003775074.1).

ClinVar aggregate classification (germline): Likely pathogenic (1 of 4 stars; one submission).

Conditions:
Microduplication syndrome.

Submission:

Regional Center For Medical Genetics Timis, Louis Turcanu Emergency Hospital for Children Timisoara
Classification: Likely pathogenic for Microduplication syndrome. Review status: criteria provided, single submitter. Criteria: ACMG/ClinGen CNV Guidelines, 2019. Collection method: clinical testing. Allele origin: de novo. Affected: yes.
Comment: The score was 1.2, according to the ClinGen CNV Pathogenicity Calculator calculated for the region as follows: 1A. Contains protein-coding or other known functionally important elements (score 0); 2H. Haploinsufficient gene fully contained within observed copy number gain (score 0); 3A. Number of protein-coding RefSeq genes wholly or partially included in the copy number gain 0-34 genes (30 genes - score 0); 4B. the reported phenotype is consistent with the gene/genomic region, is highly specific, but is not necessarily unique to the gene/genomic region (score 0.9, Patient reported by Siddharth Banka et al. (16) a Decipher patient had anterior segment dysgenesis considered very specific, while their 5 patients reported in Decipher had global developmental delay, autistic behavior, and abnormality of growth one also with microcephaly); 5A De novo scoring - confirmed de novo (Score 0.3).